The following is an entry in ClinVar:

ClinVar aggregate classification (germline): Conflicting classifications of pathogenicity. Review status: criteria provided, conflicting classifications (1 of 4 stars). 3 submissions from 3 submitters: Uncertain significance (2); Likely benign (1). Last evaluated 2023-10-18.

Conditions:
Dilated cardiomyopathy 1AA (CMD1AA). Also called: Cardiomyopathy, dilated, 1AA, with or without LVNC; CARDIOMYOPATHY, DILATED, 1AA, WITH OR WITHOUT LEFT VENTRICULAR NONCOMPACTION; CARDIOMYOPATHY, FAMILIAL HYPERTROPHIC, 23, WITH OR WITHOUT LEFT VENTRICULAR NONCOMPACTION. Identifiers: Orphanet 154, MedGen C2677338, MONDO:0012808, OMIM 612158.
Primary familial hypertrophic cardiomyopathy (HCM). Identifiers: Orphanet 99739, MedGen C0949658, MeSH D024741, MONDO:0024573. Inheritance: Various modes of inheritance.
Cardiovascular phenotype. Identifiers: MedGen CN230736.

Allele frequency attached by ClinVar (database versions not stated): gnomAD exomes below 0.00001; gnomAD 0.00001; TOPMed 0.00001.
gnomAD v4.1: 2 of 1,613,968 alleles (0.00012%); highest among the groups gnomAD compares: African/African-American, 0.0027%; no homozygotes.

Submissions (3):

Labcorp Genetics (formerly Invitae), Labcorp
Classification: Uncertain significance for Primary familial hypertrophic cardiomyopathy; Dilated cardiomyopathy 1AA. Last evaluated: 2023-10-18. Review status: criteria provided, single submitter. Criteria: Invitae Variant Classification Sherloc (09022015). Collection method: clinical testing. Allele origin: germline.
Comment: This sequence change replaces asparagine, which is neutral and polar, with serine, which is neutral and polar, at codon 590 of the ACTN2 protein (p.Asn590Ser). This variant is not present in population databases (gnomAD no frequency). This variant has not been reported in the literature in individuals affected with ACTN2-related conditions. ClinVar contains an entry for this variant (Variation ID: 2144472). Advanced modeling of protein sequence and biophysical properties (such as structural, functional, and spatial information, amino acid conservation, physicochemical variation, residue mobility, and thermodynamic stability) performed at Invitae indicates that this missense variant is not expected to disrupt ACTN2 protein function. In summary, the available evidence is currently insufficient to determine the role of this variant in disease. Therefore, it has been classified as a Variant of Uncertain Significance.

GeneDx
Classification: Uncertain significance. Last evaluated: 2023-07-14. Review status: criteria provided, single submitter. Criteria: GeneDx Variant Classification Process June 2021. Collection method: clinical testing. Allele origin: germline. Affected: yes.
Comment: Not observed at significant frequency in large population cohorts (gnomAD); In silico analysis supports that this missense variant does not alter protein structure/function; Has not been previously published as pathogenic or benign to our knowledge

Ambry Genetics
Classification: Likely benign for Cardiovascular phenotype. Last evaluated: 2022-12-16. Review status: criteria provided, single submitter. Criteria: Ambry Variant Classification Scheme 2023. Collection method: clinical testing. Allele origin: germline.

NM_001103.4(ACTN2):c.1769A>G (p.Asn590Ser)

Gene: ACTN2 (actinin alpha 2; plus strand). Cytogenetic location: 1q43.
Variant type: single nucleotide variant.
Coding change: c.1769A>G on transcript NM_001103.4 (MANE Select); coding-DNA position 1769, A replaced by G.
Protein change: p.Asn590Ser; replaces asparagine 590 with serine.
Molecular consequence: missense variant.
Genome position (GRCh38, 1-based): chr1:236,751,582, A>G. VCF-style: chr1-236751582-A-G. GRCh37 (hg19) VCF-style: chr1-236914882-A-G.
Other names: c.1769A>G, p.Asn590Ser (NM_001278343.2); c.1145A>G, p.Asn382Ser (NM_001278344.2); c.1019A>G, p.Asn340Ser (NM_001412150.1); c.1769A>G (NM_001103.2); short protein forms N340S, N590S, N382S.
Identifiers: ClinVar variation 2144472 (VCV002144472.7), dbSNP rs1413539816, ClinGen allele CA345386092.
Genomic context (GRCh38, chr1:236,751,582, plus strand): 5'-GAGAGCGGCAGTCCATCATGGCCATCCAGAACGAGGTGGAGAAGGTGATTCAGAGCTACA[A>G]CATCAGAATCAGCTCAAGCAACCCGTACAGCACTGTCACCATGGATGAGCTCCGGACCAA-3'
Protein context (NP_001094.1, residues 580-600): NEVEKVIQSY[Asn590Ser]IRISSSNPYS